The following is an entry in ClinVar:

ClinVar aggregate classification (germline): Uncertain significance (1 of 4 stars; one submission).

Conditions:
Cardiovascular phenotype. Identifiers: MedGen CN230736.

Submission:

Ambry Genetics
Classification: Uncertain significance for Cardiovascular phenotype. Last evaluated: 2015-11-20. Review status: criteria provided, single submitter. Criteria: Ambry Variant Classification Scheme 2023. Collection method: clinical testing. Allele origin: germline.
Comment: The p.H387D variant (also known as c.1159C>G), located in coding exon 9 of the DSG2 gene, results from a C to G substitution at nucleotide position 1159. The histidine at codon 387 is replaced by aspartic acid, an amino acid with similar properties. This variant was not reported in population based cohorts in the following databases: Database of Single Nucleotide Polymorphisms (dbSNP), NHLBI Exome Sequencing Project (ESP), and 1000 Genomes Project. In the ESP, this variant was not observed in 5985 samples (11970 alleles) with coverage at this position. This amino acid position is poorly conserved in available vertebrate species. In addition, this alteration is predicted to be tolerated by in silico analysis. Since supporting evidence is limited at this time, the clinical significance of this variant remains unclear.

NM_001943.5(DSG2):c.1159C>G (p.His387Asp)

Gene: DSG2 (desmoglein 2; plus strand). Cytogenetic location: 18q12.1.
Variant type: single nucleotide variant.
Coding change: c.1159C>G on transcript NM_001943.5 (MANE Select); coding-DNA position 1159, C replaced by G.
Protein change: p.His387Asp; replaces histidine 387 with aspartic acid.
Molecular consequence: missense variant.
Genome position (GRCh38, 1-based): chr18:31,531,131, C>G. VCF-style: chr18-31531131-C-G. GRCh37 (hg19) VCF-style: chr18-29111094-C-G.
Other names: c.1159C>G (LRG_397t1); short protein forms H387D.
Identifiers: ClinVar variation 264490 (VCV000264490.5), dbSNP rs886039173, ClinGen allele CA10587913.